The following is an entry in ClinVar:

ClinVar aggregate classification (germline): Conflicting classifications of pathogenicity. Review status: criteria provided, conflicting classifications (1 of 4 stars). 2 submissions from 2 submitters: Likely pathogenic (1); Uncertain significance (1). Last evaluated 2024-09-17.

Conditions:
Intellectual developmental disorder, autosomal dominant 1. Also called: Intellectual disability, autosomal dominant 1; MBD5 Haploinsufficiency. Identifiers: Orphanet 228402, MedGen C1969562, MONDO:0007974, OMIM 156200.
Inborn genetic diseases. Identifiers: MedGen C0950123, MeSH D030342.

Allele frequency attached by ClinVar (database versions not stated): gnomAD exomes 0.00001 and below 0.00001; TOPMed 0.00001.
gnomAD v4.1: 15 of 1,614,100 alleles (0.00093%); highest among the groups gnomAD compares: East Asian, 0.0022%; no homozygotes.

Submissions (2):

Labcorp Genetics (formerly Invitae), Labcorp
Classification: Likely pathogenic for Intellectual developmental disorder, autosomal dominant 1. Last evaluated: 2024-09-17. Review status: criteria provided, single submitter. Criteria: Invitae Variant Classification Sherloc (09022015). Collection method: clinical testing. Allele origin: germline.
Comment: This sequence change replaces arginine, which is basic and polar, with tryptophan, which is neutral and slightly polar, at codon 1441 of the MBD5 protein (p.Arg1441Trp). This variant is present in population databases (no rsID available, gnomAD 0.0009%). This missense change has been observed in individual(s) with MBD5-related conditions (internal data). In at least one individual the variant was observed to be de novo. ClinVar contains an entry for this variant (Variation ID: 588896). Experimental studies and prediction algorithms are not available or were not evaluated, and the functional significance of this variant is currently unknown. In summary, the currently available evidence indicates that the variant is pathogenic, but additional data are needed to prove that conclusively. Therefore, this variant has been classified as Likely Pathogenic.

Ambry Genetics
Classification: Uncertain significance for Inborn genetic diseases. Last evaluated: 2023-04-18. Review status: criteria provided, single submitter. Criteria: Ambry Variant Classification Scheme 2023. Collection method: clinical testing. Allele origin: germline.
Comment: The p.R1441W variant (also known as c.4321C>T), located in coding exon 8 of the MBD5 gene, results from a C to T substitution at nucleotide position 4321. The arginine at codon 1441 is replaced by tryptophan, an amino acid with dissimilar properties. This amino acid position is well conserved in available vertebrate species. In addition, the in silico prediction for this alteration is inconclusive. Since supporting evidence is limited at this time, the clinical significance of this alteration remains unclear.

NM_001378120.1(MBD5):c.5020C>T (p.Arg1674Trp)

Gene: MBD5 (methyl-CpG binding domain protein 5; plus strand). Cytogenetic location: 2q23.1.
Variant type: single nucleotide variant.
Coding change: c.5020C>T on transcript NM_001378120.1 (MANE Select); coding-DNA position 5020, C replaced by T.
Protein change: p.Arg1674Trp; replaces arginine 1674 with tryptophan.
Molecular consequence: missense variant.
Genome position (GRCh38, 1-based): chr2:148,502,493, C>T. VCF-style: chr2-148502493-C-T. GRCh37 (hg19) VCF-style: chr2-149260062-C-T.
Other names: c.4321C>T, p.Arg1441Trp (NM_018328.5); short protein forms R1441W, R1674W.
Identifiers: ClinVar variation 588896 (VCV000588896.13), dbSNP rs1393532031, ClinGen allele CA348859089.
Genomic context (GRCh38, chr2:148,502,493, plus strand): 5'-CAGGTGGAGCCCGAGAAGTTGAAGACACTAACAGAAGGTTTGGAAGCCTACAGCCGTGTC[C>T]GGAAAAGGAACAGAAAGTAAGCACTTTTCCAAAATTTTACTTTGTTTTTCCAGGATATAA-3'
Protein context (NP_001365049.1, residues 1664-1684): TEGLEAYSRV[Arg1674Trp]KRNRKSGKLN